The following is an entry in ClinVar:

NM_206926.2(SELENON):c.635A>G (p.Lys212Arg)

Gene: SELENON (selenoprotein N; plus strand). Cytogenetic location: 1p36.11.
Variant type: single nucleotide variant.
Coding change: c.635A>G on transcript NM_206926.2 (MANE Select); coding-DNA position 635, A replaced by G.
Protein change: p.Lys212Arg; replaces lysine 212 with arginine.
Molecular consequence: missense variant.
Genome position (GRCh38, 1-based): chr1:25,808,779, A>G. VCF-style: chr1-25808779-A-G. GRCh37 (hg19) VCF-style: chr1-26135270-A-G.
Other names: c.737A>G, p.Lys246Arg (NM_020451.3); short protein forms K246R, K212R.
Identifiers: ClinVar variation 937439 (VCV000937439.7), dbSNP rs2047932738, ClinGen allele CA339112612.

ClinVar aggregate classification (germline): Uncertain significance. Review status: criteria provided, multiple submitters, no conflicts (2 of 4 stars). 2 submissions from 2 submitters: Uncertain significance (2). Last evaluated 2022-12-01.

Conditions:
Eichsfeld type congenital muscular dystrophy (CMYO3). Also called: MYOPATHY, SEPN1-RELATED; Rigid spine muscular dystrophy 1; SELENON-related myopathy; Congenital myopathy 3 with rigid spine. Identifiers: MedGen C0410180, MONDO:0100100, OMIM 602771.
Inborn genetic diseases. Identifiers: MedGen C0950123, MeSH D030342.

Allele frequency attached by ClinVar (database versions not stated): gnomAD exomes 0.00001.
gnomAD v4.1: 9 of 1,613,676 alleles (0.00056%); highest among the groups gnomAD compares: Non-Finnish European, 0.00076%; no homozygotes.

Submissions (2):

Ambry Genetics
Classification: Uncertain significance for Inborn genetic diseases. Last evaluated: 2022-12-01. Review status: criteria provided, single submitter. Criteria: Ambry Variant Classification Scheme 2023. Collection method: clinical testing. Allele origin: germline.

Labcorp Genetics (formerly Invitae), Labcorp
Classification: Uncertain significance for Eichsfeld type congenital muscular dystrophy. Last evaluated: 2021-09-05. Review status: criteria provided, single submitter. Criteria: Invitae Variant Classification Sherloc (09022015). Collection method: clinical testing. Allele origin: germline.
Comment: This sequence change replaces lysine with arginine at codon 246 of the SELENON protein (p.Lys246Arg). The lysine residue is highly conserved and there is a small physicochemical difference between lysine and arginine. In summary, the available evidence is currently insufficient to determine the role of this variant in disease. Therefore, it has been classified as a Variant of Uncertain Significance. Algorithms developed to predict the effect of sequence changes on RNA splicing suggest that this variant may create or strengthen a splice site. Algorithms developed to predict the effect of missense changes on protein structure and function are either unavailable or do not agree on the potential impact of this missense change (SIFT: "Deleterious"; PolyPhen-2: "Benign"; Align-GVGD: "Class C25"). ClinVar contains an entry for this variant (Variation ID: 937439). This variant has not been reported in the literature in individuals affected with SELENON-related conditions. This variant is not present in population databases (ExAC no frequency).